The following is an entry in ClinVar:

ClinVar aggregate classification (germline): Uncertain significance. Review status: criteria provided, multiple submitters, no conflicts (2 of 4 stars). 2 submissions from 2 submitters: Uncertain significance (2). Last evaluated 2025-10-07.

Conditions:
Hypertrophic cardiomyopathy. Also called: HYPERTROPHIC MYOCARDIOPATHY. Identifiers: Orphanet 217569, MedGen C0007194, MeSH D002312, MONDO:0005045, HP:0001639.
Primary dilated cardiomyopathy (DCM). Also called: Dilated Cardiomyopathy. Identifiers: Orphanet 217604, MedGen C0007193, MeSH D002311, MONDO:0005021, HP:0001644. Inheritance: Various modes of inheritance.

Allele frequency attached by ClinVar (database versions not stated): gnomAD 0.00001; TOPMed below 0.00001.
gnomAD v4.1: 13 of 1,614,086 alleles (0.00081%); highest among the groups gnomAD compares: Non-Finnish European, 0.0011%; no homozygotes.

Submissions (2):

Labcorp Genetics (formerly Invitae), Labcorp
Classification: Uncertain significance for Hypertrophic cardiomyopathy; Primary dilated cardiomyopathy. Last evaluated: 2025-10-07. Review status: criteria provided, single submitter. Criteria: Invitae Variant Classification Sherloc (09022015). Collection method: clinical testing. Allele origin: germline.
Comment: This sequence change replaces leucine, which is neutral and non-polar, with valine, which is neutral and non-polar, at codon 43 of the PDLIM3 protein (p.Leu43Val). This variant is present in population databases (no rsID available, gnomAD 0.004%). This variant has not been reported in the literature in individuals affected with PDLIM3-related conditions. ClinVar contains an entry for this variant (Variation ID: 1767481). Invitae Evidence Modeling of protein sequence and biophysical properties (such as structural, functional, and spatial information, amino acid conservation, physicochemical variation, residue mobility, and thermodynamic stability) indicates that this missense variant is not expected to disrupt PDLIM3 protein function with a negative predictive value of 80%. In summary, the available evidence is currently insufficient to determine the role of this variant in disease. Therefore, it has been classified as a Variant of Uncertain Significance.

Ambry Genetics
Classification: Uncertain significance. Last evaluated: 2025-03-06. Review status: criteria provided, single submitter. Criteria: Ambry Variant Classification Scheme 2023. Collection method: clinical testing. Allele origin: germline.

NM_014476.6(PDLIM3):c.127C>G (p.Leu43Val)

Gene: PDLIM3 (PDZ and LIM domain 3; minus strand). Cytogenetic location: 4q35.1.
Variant type: single nucleotide variant.
Coding change: c.127C>G on transcript NM_014476.6 (MANE Select); coding-DNA position 127, C replaced by G.
Protein change: p.Leu43Val; replaces leucine 43 with valine.
Molecular consequence: missense variant. On other transcripts: non-coding transcript variant (1), intron variant (1).
Genome position (GRCh38, 1-based): chr4:185,525,138, G>C on the plus strand (C>G on the coding strand, the complement: PDLIM3 is on the minus strand). VCF-style: chr4-185525138-G-C. GRCh37 (hg19) VCF-style: chr4-186446292-G-C.
Other names: c.127C>G, p.Leu43Val (NM_001114107.5, NM_001257962.2); c.93+10204C>G (NM_001257963.2); short protein forms L43V.
Identifiers: ClinVar variation 1767481 (VCV001767481.6), dbSNP rs1232029998, ClinGen allele CA358929699.